The following is an entry in ClinVar:

NM_001792.5(CDH2):c.1584G>A (p.Met528Ile)

Gene: CDH2 (cadherin 2; minus strand). Cytogenetic location: 18q12.1.
Variant type: single nucleotide variant.
Coding change: c.1584G>A on transcript NM_001792.5 (MANE Select); coding-DNA position 1584, G replaced by A.
Protein change: p.Met528Ile; replaces methionine 528 with isoleucine.
Molecular consequence: missense variant.
Genome position (GRCh38, 1-based): chr18:27,990,111, C>T on the plus strand (G>A on the coding strand, the complement: CDH2 is on the minus strand). VCF-style: chr18-27990111-C-T. GRCh37 (hg19) VCF-style: chr18-25570075-C-T.
Other names: c.1491G>A, p.Met497Ile (NM_001308176.2); short protein forms M497I, M528I.
Identifiers: ClinVar variation 2130532 (VCV002130532.4), dbSNP rs748700492, ClinGen allele CA402108787.

ClinVar aggregate classification (germline): Uncertain significance (1 of 4 stars; one submission).

Submission:

Labcorp Genetics (formerly Invitae), Labcorp
Classification: Uncertain significance. Last evaluated: 2022-04-25. Review status: criteria provided, single submitter. Criteria: Invitae Variant Classification Sherloc (09022015). Collection method: clinical testing. Allele origin: germline.
Comment: This variant is not present in population databases (gnomAD no frequency). This sequence change replaces methionine, which is neutral and non-polar, with isoleucine, which is neutral and non-polar, at codon 528 of the CDH2 protein (p.Met528Ile). This variant has not been reported in the literature in individuals affected with CDH2-related conditions. Algorithms developed to predict the effect of missense changes on protein structure and function are either unavailable or do not agree on the potential impact of this missense change (SIFT: "Deleterious"; PolyPhen-2: "Benign"; Align-GVGD: "Class C0"). In summary, the available evidence is currently insufficient to determine the role of this variant in disease. Therefore, it has been classified as a Variant of Uncertain Significance.